The following is an entry in ClinVar:

NM_001033044.4(GLUL):c.-14+905T>C

Gene: GLUL (glutamate-ammonia ligase; minus strand). Cytogenetic location: 1q25.3.
Variant type: single nucleotide variant.
Coding change: c.-14+905T>C on transcript NM_001033044.4 (MANE Select); 905 bases into the intron after 14 bases upstream of the start codon, T replaced by C.
Molecular consequence: intron variant. On other transcripts: 5 prime UTR variant (1).
Genome position (GRCh38, 1-based): chr1:182,390,774, A>G on the plus strand (T>C on the coding strand, the complement: GLUL is on the minus strand). VCF-style: chr1-182390774-A-G. GRCh37 (hg19) VCF-style: chr1-182359909-A-G.
Other names: c.-291T>C (NM_002065.7); c.-14+401T>C (NM_001033056.4).
Identifiers: ClinVar variation 293958 (VCV000293958.19), dbSNP rs78752021, ClinGen allele CA10608864.

ClinVar aggregate classification (germline): Likely benign. Review status: criteria provided, multiple submitters, no conflicts (2 of 4 stars). 3 submissions from 3 submitters: Likely benign (3). Last evaluated 2026-08-01.

Conditions:
Congenital brain dysgenesis due to glutamine synthetase deficiency (GLND). Also called: GLUTAMINE SYNTHASE DEFICIENCY, CONGENITAL SYSTEMIC. Identifiers: Orphanet 71278, MedGen C1864910, MONDO:0012393, OMIM 610015.

Allele frequency attached by ClinVar (database versions not stated): 1000 Genomes Project 30x 0.00281; gnomAD 0.00297 and 0.00305; 1000 Genomes Project 0.00300; TOPMed 0.00313; gnomAD exomes 0.00416.
gnomAD v4.1: 1,513 of 399,146 alleles (0.38%); highest among the groups gnomAD compares: Middle Eastern, 0.69%; 6 homozygotes.

Submissions (3):

CeGaT Center for Human Genetics Tuebingen
Classification: Likely benign. Last evaluated: 2026-08-01. Review status: criteria provided, single submitter. Criteria: CeGaT Center For Human Genetics Tuebingen Variant Classification Criteria Version 2. Collection method: clinical testing. Allele origin: germline. Affected: yes. Observed: 11 variant alleles.
Comment: GLUL: PP2, BS2

Illumina Laboratory Services, Illumina
Classification: Likely benign for Congenital brain dysgenesis due to glutamine synthetase deficiency. Last evaluated: 2018-01-12. Review status: criteria provided, single submitter. Criteria: ICSL Variant Classification Criteria 13 December 2019. Collection method: clinical testing. Allele origin: germline.
Comment: This variant was observed in the ICSL laboratory as part of a predisposition screen in an ostensibly healthy population. It had not been previously curated by ICSL or reported in the Human Gene Mutation Database (HGMD: prior to June 1st, 2018), and was therefore a candidate for classification through an automated scoring system. Utilizing variant allele frequency, disease prevalence and penetrance estimates, and inheritance mode, an automated score was calculated to assess if this variant is too frequent to cause the disease. Based on the score and internal cut-off values, a variant classified as likely benign is not then subjected to further curation. The score for this variant resulted in a classification of likely benign for this disease.

Breakthrough Genomics
Classification: Likely benign. Review status: criteria provided, single submitter. Criteria: ACMG Guidelines, 2015. Collection method: not provided. Allele origin: germline. Inheritance: Autosomal recessive inheritance. Affected: yes.